The following is an entry in ClinVar:

ClinVar aggregate classification (germline): Uncertain significance (1 of 4 stars; one submission).

Conditions:
Polycystic kidney disease, adult type (PKD1). Also called: POLYCYSTIC KIDNEY DISEASE, ADULT, TYPE I; Polycystic Kidney Disease 1, Autosomal Dominant; Polycystic kidney disease 1; Polycystic kidney disease 1, severe; Polycystic Kidney, Autosomal Dominant; POLYCYSTIC KIDNEY DISEASE 1 WITH OR WITHOUT POLYCYSTIC LIVER DISEASE. Identifiers: MedGen C3149841, MONDO:0008263, OMIM 173900.

gnomAD v4.1: 3 of 1,604,854 alleles (0.00019%); highest among the groups gnomAD compares: African/African-American, 0.0013%; no homozygotes.

Submission:

Juno Genomics, Hangzhou Juno Genomics, Inc
Classification: Uncertain significance for Polycystic kidney disease, adult type. Review status: criteria provided, single submitter. Criteria: ACMG Guidelines, 2015. Collection method: clinical testing. Allele origin: germline. Affected: yes.
Comment: Absent from controls (or at extremely low frequency if recessive) in Genome Aggregation Database, Exome Sequencing Project, 1000 Genomes Project, or Exome Aggregation Consortium.

NM_001009944.3(PKD1):c.7729C>T (p.Pro2577Ser)

Gene: PKD1 (polycystin 1, transient receptor potential channel interacting; minus strand). Cytogenetic location: 16p13.3.
Variant type: single nucleotide variant.
Coding change: c.7729C>T on transcript NM_001009944.3 (MANE Select); coding-DNA position 7729, C replaced by T.
Protein change: p.Pro2577Ser; replaces proline 2577 with serine.
Molecular consequence: missense variant.
Genome position (GRCh38, 1-based): chr16:2,105,999, G>A on the plus strand (C>T on the coding strand, the complement: PKD1 is on the minus strand). VCF-style: chr16-2105999-G-A. GRCh37 (hg19) VCF-style: chr16-2156000-G-A.
Other names: c.7729C>T, p.Pro2577Ser (NM_000296.4); short protein forms P2577S.
Identifiers: ClinVar variation 3383029 (VCV003383029.2).